The following is an entry in ClinVar:

NM_001290321.3(DMXL1):c.8222C>A (p.Thr2741Asn)

Gene: DMXL1 (Dmx like 1; plus strand). Cytogenetic location: 5q23.1.
Variant type: single nucleotide variant.
Coding change: c.8222C>A on transcript NM_001290321.3 (MANE Select); coding-DNA position 8222, C replaced by A.
Protein change: p.Thr2741Asn; replaces threonine 2741 with asparagine.
Molecular consequence: missense variant. On other transcripts: non-coding transcript variant (3).
Genome position (GRCh38, 1-based): chr5:119,221,026, C>A. VCF-style: chr5-119221026-C-A. GRCh37 (hg19) VCF-style: chr5-118556721-C-A.
Other names: c.8222C>A, p.Thr2741Asn (NM_001349239.2); c.8159C>A, p.Thr2720Asn (NM_001349240.2, NM_001387933.1, NM_005509.6); c.7967C>A, p.Thr2656Asn (NM_001387934.1); c.7454C>A, p.Thr2485Asn (NM_001387937.1); c.7235C>A, p.Thr2412Asn (NM_001387938.1); short protein forms T2412N, T2485N, T2656N, T2720N, T2741N.
Identifiers: ClinVar variation 2636859 (VCV002636859.1), dbSNP rs1221774963, ClinGen allele CA360853724.

ClinVar aggregate classification (germline): Uncertain significance (1 of 4 stars; one submission).

Conditions:
DMXL1-related disorder. Also called: DMXL1-related condition.

Submission:

PreventionGenetics, part of Exact Sciences
Classification: Uncertain significance for DMXL1-related condition. Last evaluated: 2023-09-05. Review status: criteria provided, single submitter. Criteria: ACMG Guidelines, 2015. Collection method: clinical testing. Allele origin: germline.
Comment: The DMXL1 c.8222C>A variant is predicted to result in the amino acid substitution p.Thr2741Asn. To our knowledge, this variant has not been reported in the literature or in a large population database, indicating this variant is rare. At this time, the clinical significance of this variant is uncertain due to the absence of conclusive functional and genetic evidence.